The following is an entry in ClinVar:

ClinVar aggregate classification (germline): Uncertain significance (1 of 4 stars; one submission).

Conditions:
Brugada syndrome. Also called: Sudden unexplained nocturnal death syndrome; Sudden Unexplained Death Syndrome; Sudden Unexplained Nocturnal Death Syndrome (SUNDS); Sudden unexpected nocturnal death syndrome. Identifiers: Orphanet 130, MedGen C1142166, MONDO:0015263.

Submission:

Victorian Clinical Genetics Services, Murdoch Childrens Research Institute
Classification: Uncertain significance for Brugada syndrome. Last evaluated: 2020-10-19. Review status: criteria provided, single submitter. Criteria: ACMG Guidelines, 2015. Collection method: clinical testing. Allele origin: germline. Inheritance: Unknown mechanism.
Comment: Based on the classification scheme VCGS_Germline_v1.3.3, this variant is classified as 3C-VUS. Following criteria are met: 0105 - The mechanism of disease for this gene is not clearly established. CACNA2D1 has no disease association listed in OMIM. The association of this gene with Brugada syndrome is disputed by ClinGen and PanelApp. (I) 0111 - The inheritance pattern for this gene is unknown. (I) 0200 - Variant is predicted to result in a missense amino acid change from alanine to glycine. (I) 0251 - This variant is heterozygous. (I) 0301 - Variant is absent from gnomAD (both v2 and v3). (SP) 0502 - Missense variant with conflicting in silico predictions and uninformative conservation. (I) 0600 - Variant is located in the annotated voltage-dependent calcium channel subunit alpha-2-1 domain (UniProt). (I) 0705 - No comparable missense variants have previous evidence for pathogenicity. (I) 0807 - This variant has no previous evidence of pathogenicity. (I) 0905 - No published segregation evidence has been identified for this variant. (I) 1007 - No published functional evidence has been identified for this variant. (I) 1208 - Inheritance information for this variant is not currently available in this individual. (I) Legend: (SP) - Supporting pathogenic, (I) - Information, (SB) - Supporting benign

NM_000722.4(CACNA2D1):c.2207C>G (p.Ala736Gly)

Gene: CACNA2D1 (calcium voltage-gated channel auxiliary subunit alpha2delta 1; minus strand). Cytogenetic location: 7q21.11.
Variant type: single nucleotide variant.
Coding change: c.2207C>G on transcript NM_000722.4 (MANE Select); coding-DNA position 2207, C replaced by G.
Protein change: p.Ala736Gly; replaces alanine 736 with glycine.
Molecular consequence: missense variant.
Genome position (GRCh38, 1-based): chr7:81,969,982, G>C on the plus strand (C>G on the coding strand, the complement: CACNA2D1 is on the minus strand). VCF-style: chr7-81969982-G-C. GRCh37 (hg19) VCF-style: chr7-81599298-G-C.
Other names: c.2243C>G, p.Ala748Gly (NM_001366867.1); short protein forms A736G, A748G.
Identifiers: ClinVar variation 1805848 (VCV001805848.1), dbSNP rs2484588370, ClinGen allele CA367891318.